The following is an entry in ClinVar:

ClinVar aggregate classification (germline): Conflicting classifications of pathogenicity. Review status: criteria provided, conflicting classifications (1 of 4 stars). 5 submissions from 5 submitters: Likely pathogenic (1); Uncertain significance (4). Last evaluated 2026-04-07.

Conditions:
Inborn genetic diseases. Identifiers: MedGen C0950123, MeSH D030342.
Hereditary sensory and autonomic neuropathy type 7. Also called: HSAN VII; Neuropathy, hereditary sensory and autonomic, type VII. Identifiers: Orphanet 391397, MedGen C3809882, MONDO:0014244, OMIM 615548.
SCN11A-related disorder. Also called: SCN11A-related condition.
Familial episodic pain syndrome with predominantly lower limb involvement. Also called: Episodic pain syndrome, familial, 3. Identifiers: Orphanet 391384, Orphanet 391392, MedGen C3809899, MONDO:0014247, OMIM 615552.

Allele frequency attached by ClinVar (database versions not stated): TOPMed 0.00002.
gnomAD v4.1: 20 of 1,598,360 alleles (0.0013%); highest among the groups gnomAD compares: Admixed American, 0.005%; no homozygotes.

Submissions (5):

PreventionGenetics, part of Exact Sciences
Classification: Uncertain significance for SCN11A-related condition. Last evaluated: 2026-04-07. Review status: criteria provided, single submitter. Criteria: ACMG Guidelines, 2015. Collection method: clinical testing. Allele origin: germline.
Comment: The SCN11A c.712+1G>A variant is predicted to disrupt the GT donor site and interfere with normal splicing. To our knowledge, this variant has not been reported in the literature. This variant is reported in 0.0058% of alleles in individuals of Latino descent in gnomAD. Gain-of-function variants in SCN11A have been associated with disease; it is yet unclear whether or not loss-of-function variants have any effect on phenotype (Zhang et al. 2013. PubMed ID: 24207120). At this time, the clinical significance of this variant is uncertain due to the absence of conclusive functional and genetic evidence.

Labcorp Genetics (formerly Invitae), Labcorp
Classification: Uncertain significance for Familial episodic pain syndrome with predominantly lower limb involvement; Hereditary sensory and autonomic neuropathy type 7. Last evaluated: 2023-07-16. Review status: criteria provided, single submitter. Criteria: Invitae Variant Classification Sherloc (09022015). Collection method: clinical testing. Allele origin: germline.
Comment: In summary, the available evidence is currently insufficient to determine the role of this variant in disease. Therefore, it has been classified as a Variant of Uncertain Significance. Algorithms developed to predict the effect of sequence changes on RNA splicing suggest that this variant may disrupt the consensus splice site. ClinVar contains an entry for this variant (Variation ID: 1685430). This variant has not been reported in the literature in individuals affected with SCN11A-related conditions. This variant is present in population databases (rs768647693, gnomAD 0.009%). This sequence change affects a donor splice site in intron 5 of the SCN11A gene. It is expected to disrupt RNA splicing. Variants that disrupt the donor or acceptor splice site typically lead to a loss of protein function (PMID: 16199547), however the current clinical and genetic evidence is not sufficient to establish whether loss-of-function variants in SCN11A cause disease.

Mendelics
Classification: Likely pathogenic for Hereditary sensory and autonomic neuropathy type 7. Last evaluated: 2022-05-04. Review status: criteria provided, single submitter. Criteria: Mendelics Assertion Criteria 2019. Collection method: clinical testing. Allele origin: germline.

Mayo Clinic Laboratories, Mayo Clinic
Classification: Uncertain significance. Last evaluated: 2021-04-02. Review status: criteria provided, single submitter. Criteria: ACMG Guidelines, 2015. Collection method: clinical testing. Allele origin: germline.

Ambry Genetics
Classification: Uncertain significance for Inborn genetic diseases. Last evaluated: 2021-03-11. Review status: criteria provided, single submitter. Criteria: Ambry Variant Classification Scheme 2023. Collection method: clinical testing. Allele origin: germline.
Comment: The c.712+1G>A intronic variant results from a G to A substitution one nucleotide after coding exon 5 of the SCN11A gene. This nucleotide position is highly conserved in available vertebrate species. In silico splice site analysis predicts that this alteration may weaken the native splice donor site. Alterations that disrupt the canonical splice site are expected to cause aberrant splicing, resulting in an abnormal protein or a transcript that is subject to nonsense-mediated mRNA decay. However, loss of function of SCN11A has not been clearly established as a mechanism of disease. Since supporting evidence is limited at this time, the clinical significance of this alteration remains unclear.

Literature cited by the submitters: PubMed 16199547 (cited by Labcorp Genetics (formerly Invitae), Labcorp).

NM_001349253.2(SCN11A):c.712+1G>A

Gene: SCN11A (sodium voltage-gated channel alpha subunit 11; minus strand). Cytogenetic location: 3p22.2.
Variant type: single nucleotide variant.
Coding change: c.712+1G>A on transcript NM_001349253.2 (MANE Select); the canonical splice donor site of the intron after coding-DNA position 712, G replaced by A.
Molecular consequence: splice donor variant.
Genome position (GRCh38, 1-based): chr3:38,925,414, C>T on the plus strand (G>A on the coding strand, the complement: SCN11A is on the minus strand). VCF-style: chr3-38925414-C-T. GRCh37 (hg19) VCF-style: chr3-38966905-C-T.
Other names: c.712+1G>A (NM_014139.3).
Identifiers: ClinVar variation 1685430 (VCV001685430.13), dbSNP rs768647693, ClinGen allele CA72974215.
Genomic context (GRCh38, chr3:38,925,414, plus strand): 5'-TTAAATATAAATTAACATTCTTTCTAGATAGGAGCCAGTGTGGAAAGTGAGAGTGACTTA[C>T]GTGAAACTACTGAAATTGCTTTCAAAGCTCTGAACACACGGAAGGTACGCAGGGGCAATA-3'